The following is an entry in ClinVar:

ClinVar aggregate classification (germline): Uncertain significance (1 of 4 stars; one submission).

Conditions:
Aicardi-Goutieres syndrome 6 (AGS6). Identifiers: Orphanet 51, MedGen C3539013, MONDO:0014007, OMIM 615010.
Symmetrical dyschromatosis of extremities (DSH). Also called: Dyschromatosis symmetrica hereditaria; DYSCHROMATOSIS SYMMETRICA HEREDITARIA 1; RETICULATE ACROPIGMENTATION OF DOHI; SYMMETRIC DYSCHROMATOSIS OF THE EXTREMITIES. Identifiers: Orphanet 41, MedGen C0406775, MONDO:0007483, OMIM 127400.

Submission:

Labcorp Genetics (formerly Invitae), Labcorp
Classification: Uncertain significance for Aicardi-Goutieres syndrome 6; Symmetrical dyschromatosis of extremities. Last evaluated: 2025-12-15. Review status: criteria provided, single submitter. Criteria: Invitae Variant Classification Sherloc (09022015). Collection method: clinical testing. Allele origin: germline.
Comment: This sequence change replaces glycine, which is neutral and non-polar, with valine, which is neutral and non-polar, at codon 717 of the ADAR protein (p.Gly717Val). This variant is not present in population databases (gnomAD no frequency). This variant has not been reported in the literature in individuals affected with ADAR-related conditions. Invitae Evidence Modeling of protein sequence and biophysical properties (such as structural, functional, and spatial information, amino acid conservation, physicochemical variation, residue mobility, and thermodynamic stability) indicates that this missense variant is expected to disrupt ADAR protein function with a positive predictive value of 80%. In summary, the available evidence is currently insufficient to determine the role of this variant in disease. Therefore, it has been classified as a Variant of Uncertain Significance.

NM_001111.5(ADAR):c.2150G>T (p.Gly717Val)

Gene: ADAR (adenosine deaminase RNA specific; minus strand). Cytogenetic location: 1q21.3.
Variant type: single nucleotide variant.
Coding change: c.2150G>T on transcript NM_001111.5 (MANE Select); coding-DNA position 2150, G replaced by T.
Protein change: p.Gly717Val; replaces glycine 717 with valine.
Molecular consequence: missense variant.
Genome position (GRCh38, 1-based): chr1:154,596,925, C>A on the plus strand (G>T on the coding strand, the complement: ADAR is on the minus strand). VCF-style: chr1-154596925-C-A. GRCh37 (hg19) VCF-style: chr1-154569401-C-A.
Other names: c.2093G>T, p.Gly698Val (NM_015841.4); c.1265G>T, p.Gly422Val (NM_001025107.3, NM_001193495.2, NM_001365046.1 and 3 more transcripts); c.2177G>T, p.Gly726Val (NM_001365045.1); c.2150G>T, p.Gly717Val (NM_015840.4); short protein forms G422V, G717V, G726V, G698V.
Identifiers: ClinVar variation 4782609 (VCV004782609.1).